The following is an entry in ClinVar:

ClinVar aggregate classification (germline): Uncertain significance (1 of 4 stars; one submission).

Allele frequency attached by ClinVar (database versions not stated): gnomAD exomes below 0.00001; TOPMed 0.00001.
gnomAD v4.1: 4 of 1,222,442 alleles (0.00033%); highest among the groups gnomAD compares: East Asian, 0.013%; no homozygotes.

Submission:

Labcorp Genetics (formerly Invitae), Labcorp
Classification: Uncertain significance. Last evaluated: 2022-12-20. Review status: criteria provided, single submitter. Criteria: Invitae Variant Classification Sherloc (09022015). Collection method: clinical testing. Allele origin: germline.
Comment: In summary, the available evidence is currently insufficient to determine the role of this variant in disease. Therefore, it has been classified as a Variant of Uncertain Significance. Algorithms developed to predict the effect of missense changes on protein structure and function are either unavailable or do not agree on the potential impact of this missense change (SIFT: "Tolerated"; PolyPhen-2: "Possibly Damaging"; Align-GVGD: "Class C0"). This variant has not been reported in the literature in individuals affected with SIRT1-related conditions. This variant is not present in population databases (gnomAD no frequency). This sequence change replaces proline, which is neutral and non-polar, with alanine, which is neutral and non-polar, at codon 37 of the SIRT1 protein (p.Pro37Ala).

NM_012238.5(SIRT1):c.109C>G (p.Pro37Ala)

Genes: SIRT1 (sirtuin 1; plus strand), LOC107832851 (SIRT1 promoter region; plus strand). Cytogenetic location: 10q21.3.
Variant type: single nucleotide variant.
Coding change: c.109C>G on transcript NM_012238.5 (MANE Select); coding-DNA position 109, C replaced by G.
Protein change: p.Pro37Ala; replaces proline 37 with alanine.
Molecular consequence: missense variant.
Genome position (GRCh38, 1-based): chr10:67,884,830, C>G. VCF-style: chr10-67884830-C-G. GRCh37 (hg19) VCF-style: chr10-69644588-C-G.
Other names: short protein forms P37A.
Identifiers: ClinVar variation 2885484 (VCV002885484.3), dbSNP rs1344714636, ClinGen allele CA377035326.
Genomic context (GRCh38, chr10:67,884,830, plus strand): 5'-GCGGCGGGGGCCGACAGGGAGGCCGCGTCGTCCCCCGCCGGGGAGCCGCTCCGCAAGAGG[C>G]CGCGGAGAGATGGTCCCGGCCTCGAGCGGAGCCCGGGCGAGCCCGGTGGGGCGGCCCCAG-3'
Protein context (NP_036370.2, residues 27-47): SPAGEPLRKR[Pro37Ala]RRDGPGLERS